The following is an entry in ClinVar:

NM_003601.4(SMARCA5):c.161C>T (p.Ala54Val)

Genes: SMARCA5-AS1 (SMARCA5 antisense RNA 1; minus strand), SMARCA5 (SNF2 related chromatin remodeling ATPase 5; plus strand), LOC129993145 (ATAC-STARR-seq lymphoblastoid active region 21950; plus strand). Cytogenetic location: 4q31.21.
Variant type: single nucleotide variant.
Coding change: c.161C>T on transcript NM_003601.4 (MANE Select); coding-DNA position 161, C replaced by T.
Protein change: p.Ala54Val; replaces alanine 54 with valine.
Molecular consequence: missense variant. On other transcripts: non-coding transcript variant (1).
Genome position (GRCh38, 1-based): chr4:143,514,085, C>T. VCF-style: chr4-143514085-C-T. GRCh37 (hg19) VCF-style: chr4-144435238-C-T.
Other names: short protein forms A54V.
Identifiers: ClinVar variation 3048543 (VCV003048543.3), dbSNP rs200653868, ClinGen allele CA3090856.

ClinVar aggregate classification (germline): Uncertain significance. Review status: criteria provided, single submitter (1 of 4 stars). 2 submissions from 2 submitters: Uncertain significance (1). 1 of the submissions does not count toward it. Last evaluated 2025-12-11.

Conditions:
SMARCA5-related disorder. Also called: SMARCA5-related condition; SMARCA5-Related Disorders.
Inborn genetic diseases. Identifiers: MedGen C0950123, MeSH D030342.

Allele frequency attached by ClinVar (database versions not stated): ESP Exome Variant Server 0.00035; 1000 Genomes Project 0.00060; ExAC 0.00182; gnomAD 0.00040; gnomAD exomes 0.00044; TOPMed 0.00035; 1000 Genomes Project 30x 0.00047.
gnomAD v4.1: 676 of 1,553,136 alleles (0.044%); highest among the groups gnomAD compares: Middle Eastern, 0.17%; 2 homozygotes.

Submissions (2):

Ambry Genetics
Classification: Uncertain significance for Inborn genetic diseases. Last evaluated: 2025-12-11. Review status: criteria provided, single submitter. Criteria: Ambry Variant Classification Scheme 2023. Collection method: clinical testing. Allele origin: germline.

PreventionGenetics, part of Exact Sciences
Classification: Likely benign for SMARCA5-related condition. Last evaluated: 2023-04-09. Review status: no assertion criteria provided. Collection method: clinical testing. Allele origin: germline. Not counted in ClinVar's aggregate classification.
Comment: This variant is classified as likely benign based on ACMG/AMP sequence variant interpretation guidelines (Richards et al. 2015 PMID: 25741868, with internal and published modifications).